The following is an entry in ClinVar:

NM_001482.3(GATM):c.104C>A (p.Thr35Asn)

Gene: GATM (glycine amidinotransferase; minus strand). Cytogenetic location: 15q21.1.
Variant type: single nucleotide variant.
Coding change: c.104C>A on transcript NM_001482.3 (MANE Select); coding-DNA position 104, C replaced by A.
Protein change: p.Thr35Asn; replaces threonine 35 with asparagine.
Molecular consequence: missense variant. On other transcripts: 5 prime UTR variant (1).
Genome position (GRCh38, 1-based): chr15:45,376,785, G>T on the plus strand (C>A on the coding strand, the complement: GATM is on the minus strand). VCF-style: chr15-45376785-G-T. GRCh37 (hg19) VCF-style: chr15-45668983-G-T.
Other names: c.-284C>A (NM_001321015.2); c.104C>A (NM_001482.2); short protein forms T35N.
Identifiers: ClinVar variation 1435102 (VCV001435102.7), dbSNP rs1331986925, ClinGen allele CA392265812.

ClinVar aggregate classification (germline): Uncertain significance. Review status: criteria provided, multiple submitters, no conflicts (2 of 4 stars). 3 submissions from 3 submitters: Uncertain significance (3). Last evaluated 2025-06-04.

Conditions:
Inborn genetic diseases. Identifiers: MedGen C0950123, MeSH D030342.
Arginine:glycine amidinotransferase deficiency (CCDS3). Also called: AGAT deficiency; L-Arginine:Glycine Amidinotransferase Deficiency; Creatine deficiency syndrome due to AGAT deficiency; GATM deficiency; L-Arginine:Glycine Amidinotransferase (AGAT) Deficiency; Cerebral creatine deficiency syndrome 3. Identifiers: Orphanet 35704, MedGen C2675179, MONDO:0012996, OMIM 612718.
Fanconi renotubular syndrome 1. Also called: Toni-Debre-Fanconi syndrome; Neonatal De Toni-Debre-Fanconi syndrome; De Toni-Fanconi syndrome; LUDER-SHELDON SYNDROME; FRTS1. Identifiers: MedGen C4551503, MONDO:0024525, OMIM 134600.

Allele frequency attached by ClinVar (database versions not stated): gnomAD exomes below 0.00001 and 0.00001; TOPMed below 0.00001; gnomAD 0.00001.
gnomAD v4.1: 9 of 1,614,020 alleles (0.00056%); highest among the groups gnomAD compares: Non-Finnish European, 0.00068%; no homozygotes.

Submissions (3):

Labcorp Genetics (formerly Invitae), Labcorp
Classification: Uncertain significance for Arginine:glycine amidinotransferase deficiency. Last evaluated: 2025-06-04. Review status: criteria provided, single submitter. Criteria: Invitae Variant Classification Sherloc (09022015). Collection method: clinical testing. Allele origin: germline.
Comment: This sequence change replaces threonine, which is neutral and polar, with asparagine, which is neutral and polar, at codon 35 of the GATM protein (p.Thr35Asn). This variant is present in population databases (no rsID available, gnomAD 0.003%). This variant has not been reported in the literature in individuals affected with GATM-related conditions. ClinVar contains an entry for this variant (Variation ID: 1435102). Invitae Evidence Modeling of protein sequence and biophysical properties (such as structural, functional, and spatial information, amino acid conservation, physicochemical variation, residue mobility, and thermodynamic stability) indicates that this missense variant is not expected to disrupt GATM protein function with a negative predictive value of 95%. In summary, the available evidence is currently insufficient to determine the role of this variant in disease. Therefore, it has been classified as a Variant of Uncertain Significance.

Fulgent Genetics
Classification: Uncertain significance for Fanconi renotubular syndrome 1; Arginine:glycine amidinotransferase deficiency. Last evaluated: 2021-08-19. Review status: criteria provided, single submitter. Criteria: ACMG Guidelines, 2015. Collection method: clinical testing. Allele origin: unknown.

Ambry Genetics
Classification: Uncertain significance for Inborn genetic diseases. Last evaluated: 2021-01-27. Review status: criteria provided, single submitter. Criteria: Ambry Variant Classification Scheme 2023. Collection method: clinical testing. Allele origin: germline.
Comment: The c.104C>A (p.T35N) alteration is located in exon 2 (coding exon 2) of the GATM gene. This alteration results from a C to A substitution at nucleotide position 104, causing the threonine (T) at amino acid position 35 to be replaced by an asparagine (N). The p.T35N alteration is predicted to be tolerated by in silico analysis. Based on insufficient or conflicting evidence, the clinical significance of this alteration remains unclear.